The following is an entry in ClinVar:

ClinVar aggregate classification (germline): Uncertain significance. Review status: criteria provided, multiple submitters, no conflicts (2 of 4 stars). 8 submissions from 8 submitters: Uncertain significance (8). Last evaluated 2025-08-10.

Conditions:
Hereditary nonpolyposis colorectal neoplasms. Identifiers: MedGen C0009405, MeSH D003123.
Hereditary cancer-predisposing syndrome. Also called: Neoplastic Syndromes, Hereditary; Tumor predisposition; Hereditary Cancer Syndrome; Hereditary neoplastic syndrome. Identifiers: Orphanet 140162, MedGen C0027672, MeSH D009386, MONDO:0015356.
Lynch syndrome. Identifiers: Orphanet 144, MedGen C4552100, MONDO:0005835. Disease mechanism: loss of function.
Endometrial carcinoma. Also called: Endometrial carcinoma, somatic. Identifiers: MedGen C0476089, MONDO:0002447, OMIM 608089, HP:0012114.

Allele frequency attached by ClinVar (database versions not stated): gnomAD exomes below 0.00001; TOPMed 0.00002.

Submissions (8):

Labcorp Genetics (formerly Invitae), Labcorp
Classification: Uncertain significance for Hereditary nonpolyposis colorectal neoplasms. Last evaluated: 2025-08-10. Review status: criteria provided, single submitter. Criteria: Invitae Variant Classification Sherloc (09022015). Collection method: clinical testing. Allele origin: germline.
Comment: This sequence change replaces proline, which is neutral and non-polar, with serine, which is neutral and polar, at codon 150 of the MSH6 protein (p.Pro150Ser). This variant is not present in population databases (gnomAD no frequency). This missense change has been observed in individual(s) with clinical features of Lynch syndrome (PMID: 31391288). ClinVar contains an entry for this variant (Variation ID: 142360). Invitae Evidence Modeling of protein sequence and biophysical properties (such as structural, functional, and spatial information, amino acid conservation, physicochemical variation, residue mobility, and thermodynamic stability) indicates that this missense variant is not expected to disrupt MSH6 protein function with a negative predictive value of 95%. In summary, the available evidence is currently insufficient to determine the role of this variant in disease. Therefore, it has been classified as a Variant of Uncertain Significance.

Women's Health and Genetics/Laboratory Corporation of America, LabCorp
Classification: Uncertain significance. Last evaluated: 2024-05-02. Review status: criteria provided, single submitter. Criteria: LabCorp Variant Classification Summary - May 2015. Collection method: clinical testing. Allele origin: germline.
Comment: Variant summary: MSH6 c.448C>T (p.Pro150Ser) results in a non-conservative amino acid change located in the PWWP domain (IPR000313) of the encoded protein sequence. Four of five in-silico tools predict a damaging effect of the variant on protein function. The variant was absent in 251364 control chromosomes. The available data on variant occurrences in the general population are insufficient to allow any conclusion about variant significance. c.448C>T has been reported in the literature in an individual suspected with Lynch Syndrome (Li_2020). These report(s) do not provide unequivocal conclusions about association of the variant with Lynch Syndrome. To our knowledge, no experimental evidence demonstrating an impact on protein function has been reported. The following publication have been ascertained in the context of this evaluation (PMID: 31391288). ClinVar contains an entry for this variant (Variation ID: 142360). Based on the evidence outlined above, the variant was classified as uncertain significance.

Ambry Genetics
Classification: Uncertain significance for Hereditary cancer-predisposing syndrome. Last evaluated: 2024-03-14. Review status: criteria provided, single submitter. Criteria: Ambry Variant Classification Scheme 2023. Collection method: clinical testing. Allele origin: germline.
Comment: The p.P150S variant (also known as c.448C>T), located in coding exon 2 of the MSH6 gene, results from a C to T substitution at nucleotide position 448. The proline at codon 150 is replaced by serine, an amino acid with similar properties. This amino acid position is well conserved in available vertebrate species. In addition, the in silico prediction for this alteration is inconclusive. Since supporting evidence is limited at this time, the clinical significance of this alteration remains unclear.

GeneDx
Classification: Uncertain significance. Last evaluated: 2024-02-20. Review status: criteria provided, single submitter. Criteria: GeneDx Variant Classification Process June 2021. Collection method: clinical testing. Allele origin: germline. Affected: yes.
Comment: Not observed at significant frequency in large population cohorts (gnomAD); In silico analysis supports that this missense variant has a deleterious effect on protein structure/function; Observed in a patient undergoing paired tumour and germline hereditary cancer testing (PMID: 31391288); This variant is associated with the following publications: (PMID: 31391288)

Baylor Genetics
Classification: Uncertain significance for Endometrial carcinoma. Last evaluated: 2023-12-04. Review status: criteria provided, single submitter. Criteria: ACMG Guidelines, 2015. Collection method: clinical testing. Allele origin: unknown.

All of Us Research Program, National Institutes of Health
Classification: Uncertain significance for Lynch syndrome. Last evaluated: 2023-08-08. Review status: criteria provided, single submitter. Criteria: ACMG Guidelines, 2015. Collection method: clinical testing. Allele origin: germline. Inheritance: Autosomal dominant inheritance. Observed: 1 variant allele, 1 heterozygote.
Comment: This missense variant replaces proline with serine at codon 150 of the MSH6 protein. Computational prediction suggests that this variant may not impact protein structure and function (internally defined REVEL score threshold <= 0.5, PMID: 27666373). To our knowledge, functional studies have not been reported for this variant. This variant has not been reported in individuals affected with hereditary cancer in the literature. This variant has not been identified in the general population by the Genome Aggregation Database (gnomAD). The available evidence is insufficient to determine the role of this variant in disease conclusively. Therefore, this variant is classified as a Variant of Uncertain Significance.

This study involves interpretation of variants in research participants for the purpose of population health screening. Participant phenotype was not available at the time of variant classification. Additional details can be found in publication PMID: 35346344, PMCID: PMC8962531

Color Diagnostics, LLC DBA Color Health
Classification: Uncertain significance for Hereditary cancer-predisposing syndrome. Last evaluated: 2022-08-17. Review status: criteria provided, single submitter. Criteria: ACMG Guidelines, 2015. Collection method: clinical testing. Allele origin: germline.
Comment: This missense variant replaces proline with serine at codon 150 of the MSH6 protein. Computational prediction suggests that this variant may not impact protein structure and function (internally defined REVEL score threshold <= 0.5, PMID: 27666373). To our knowledge, functional studies have not been reported for this variant. This variant has not been reported in individuals affected with hereditary cancer in the literature. This variant has not been identified in the general population by the Genome Aggregation Database (gnomAD). The available evidence is insufficient to determine the role of this variant in disease conclusively. Therefore, this variant is classified as a Variant of Uncertain Significance.

Quest Diagnostics Nichols Institute San Juan Capistrano
Classification: Uncertain significance. Last evaluated: 2017-02-03. Review status: criteria provided, single submitter. Criteria: Quest Diagnostics criteria. Collection method: clinical testing. Allele origin: germline.

Literature cited by the submitters: PubMed 31391288 (cited by Labcorp Genetics (formerly Invitae), Labcorp and Women's Health and Genetics/Laboratory Corporation of America, LabCorp).

NM_000179.3(MSH6):c.448C>T (p.Pro150Ser)

Gene: MSH6 (mutS homolog 6; plus strand). Cytogenetic location: 2p16.3.
Variant type: single nucleotide variant.
Coding change: c.448C>T on transcript NM_000179.3 (MANE Select); coding-DNA position 448, C replaced by T.
Protein change: p.Pro150Ser; replaces proline 150 with serine.
Molecular consequence: missense variant. On other transcripts: 5 prime UTR variant (2), intron variant (1).
Genome position (GRCh38, 1-based): chr2:47,791,114, C>T. VCF-style: chr2-47791114-C-T. GRCh37 (hg19) VCF-style: chr2-48018253-C-T.
Other names: c.-289C>T (NM_001281493.2); c.-455C>T (NM_001281494.2); c.238-7497C>T (NM_001281492.2); short protein forms P150S.
Identifiers: ClinVar variation 142360 (VCV000142360.24), dbSNP rs587782406, ClinGen allele CA015541.